The following is an entry in ClinVar:

ClinVar aggregate classification (germline): Uncertain significance (1 of 4 stars; one submission).

Submission:

Ambry Genetics
Classification: Uncertain significance. Last evaluated: 2023-08-31. Review status: criteria provided, single submitter. Criteria: Ambry Variant Classification Scheme 2023. Collection method: clinical testing. Allele origin: germline.
Comment: The p.T686P variant (also known as c.2056A>C), located in coding exon 4 of the ALPK2 gene, results from an A to C substitution at nucleotide position 2056. The threonine at codon 686 is replaced by proline, an amino acid with highly similar properties. This amino acid position is conserved. In addition, this alteration is predicted to be tolerated by in silico analysis. Since supporting evidence is limited at this time, the clinical significance of this alteration remains unclear.

NM_052947.4(ALPK2):c.2056A>C (p.Thr686Pro)

Gene: ALPK2 (alpha kinase 2; minus strand). Cytogenetic location: 18q21.31.
Variant type: single nucleotide variant.
Coding change: c.2056A>C on transcript NM_052947.4 (MANE Select); coding-DNA position 2056, A replaced by C.
Protein change: p.Thr686Pro; replaces threonine 686 with proline.
Molecular consequence: missense variant.
Genome position (GRCh38, 1-based): chr18:58,538,131, T>G on the plus strand (A>C on the coding strand, the complement: ALPK2 is on the minus strand). VCF-style: chr18-58538131-T-G. GRCh37 (hg19) VCF-style: chr18-56205363-T-G.
Other names: short protein forms T686P.
Identifiers: ClinVar variation 2626035 (VCV002626035.2), dbSNP rs2518878164, ClinGen allele CA402571804.